The following is an entry in ClinVar:

ClinVar aggregate classification (germline): Uncertain significance (1 of 4 stars; one submission).

Conditions:
Symmetrical dyschromatosis of extremities (DSH). Also called: DYSCHROMATOSIS SYMMETRICA HEREDITARIA 1; RETICULATE ACROPIGMENTATION OF DOHI; SYMMETRIC DYSCHROMATOSIS OF THE EXTREMITIES; Dyschromatosis symmetrica hereditaria. Identifiers: Orphanet 41, MedGen C0406775, MONDO:0007483, OMIM 127400.
Aicardi-Goutieres syndrome 6 (AGS6). Identifiers: Orphanet 51, MedGen C3539013, MONDO:0014007, OMIM 615010.

gnomAD v4.1: 2 of 1,614,206 alleles (0.00012%); highest among the groups gnomAD compares: Non-Finnish European, 0.00017%; no homozygotes.

Submission:

Labcorp Genetics (formerly Invitae), Labcorp
Classification: Uncertain significance for Aicardi-Goutieres syndrome 6; Symmetrical dyschromatosis of extremities. Last evaluated: 2025-08-25. Review status: criteria provided, single submitter. Criteria: Invitae Variant Classification Sherloc (09022015). Collection method: clinical testing. Allele origin: germline.
Comment: This sequence change affects codon 1170 of the ADAR mRNA. It is a 'silent' change, meaning that it does not change the encoded amino acid sequence of the ADAR protein. This variant is not present in population databases (gnomAD no frequency). This variant has not been reported in the literature in individuals affected with ADAR-related conditions. Algorithms developed to predict the effect of sequence changes on RNA splicing suggest that this variant may create or strengthen a splice site. In summary, the available evidence is currently insufficient to determine the role of this variant in disease. Therefore, it has been classified as a Variant of Uncertain Significance.

NM_001111.5(ADAR):c.3510C>T (p.Ser1170=)

Gene: ADAR (adenosine deaminase RNA specific; minus strand). Cytogenetic location: 1q21.3.
Variant type: single nucleotide variant.
Coding change: c.3510C>T on transcript NM_001111.5 (MANE Select); coding-DNA position 3510, C replaced by T.
Protein change: p.Ser1170=; no amino-acid change (serine 1170 retained).
Molecular consequence: synonymous variant.
Genome position (GRCh38, 1-based): chr1:154,584,977, G>A on the plus strand (C>T on the coding strand, the complement: ADAR is on the minus strand). VCF-style: chr1-154584977-G-A. GRCh37 (hg19) VCF-style: chr1-154557453-G-A.
Other names: c.2625C>T, p.Ser875= (NM_001025107.3, NM_001193495.2, NM_001365046.1 and 2 more transcripts); c.3537C>T, p.Ser1179= (NM_001365045.1); c.2547C>T, p.Ser849= (NM_001365049.1); c.3432C>T, p.Ser1144= (NM_015840.4); c.3375C>T, p.Ser1125= (NM_015841.4).
Identifiers: ClinVar variation 4792423 (VCV004792423.1).